The following is an entry in ClinVar:

NM_014687.4(RUBCN):c.956G>C (p.Ser319Thr)

Gene: RUBCN (rubicon autophagy regulator; minus strand). Cytogenetic location: 3q29.
Variant type: single nucleotide variant.
Coding change: c.956G>C on transcript NM_014687.4 (MANE Select); coding-DNA position 956, G replaced by C.
Protein change: p.Ser319Thr; replaces serine 319 with threonine.
Molecular consequence: missense variant.
Genome position (GRCh38, 1-based): chr3:197,700,918, C>G on the plus strand (G>C on the coding strand, the complement: RUBCN is on the minus strand). VCF-style: chr3-197700918-C-G. GRCh37 (hg19) VCF-style: chr3-197427789-C-G.
Other names: p.Ser259Thr; c.776G>C, p.Ser259Thr (NM_001145642.5); c.956G>C, p.Ser319Thr (NM_001346873.2); short protein forms S319T, S259T.
Identifiers: ClinVar variation 4540967 (VCV004540967.2).
Genomic context (GRCh38, chr3:197,700,918, plus strand): 5'-CAGCTGGCAGTCCGGCCTCGGGGGTCCAAGTTGCCAATGGCCAGGTACTCAGGCCCCTCA[C>G]TGGCATCACCTGGGGAATCATTCTGGCTGCTGACCCAGGATGCCTCTATGGGGCTGGTCA-3'
Protein context (NP_055502.1, residues 309-329): SSQNDSPGDA[Ser319Thr]EGPEYLAIGN

ClinVar aggregate classification (germline): Uncertain significance. Review status: criteria provided, multiple submitters, no conflicts (2 of 4 stars). 2 submissions from 2 submitters: Uncertain significance (2). Last evaluated 2024-12-24.

gnomAD v4.1: 8 of 1,614,226 alleles (0.0005%); highest among the groups gnomAD compares: Non-Finnish European, 0.00068%; no homozygotes.

Submissions (2):

Mayo Clinic Laboratories, Mayo Clinic
Classification: Uncertain significance. Last evaluated: 2024-12-24. Review status: criteria provided, single submitter. Criteria: ACMG Guidelines, 2015. Collection method: clinical testing. Allele origin: germline. Observed: 1 variant allele.
Comment: BP4_moderate, PM2_supporting

Blueprint Genetics
Classification: Uncertain significance. Last evaluated: 2020-12-10. Review status: criteria provided, single submitter. Criteria: ACMG Guidelines, 2015. Collection method: clinical testing. Allele origin: germline.